The following is an entry in ClinVar:

ClinVar aggregate classification (germline): Likely benign. Review status: criteria provided, multiple submitters, no conflicts (2 of 4 stars). 3 submissions from 3 submitters: Likely benign (3). Last evaluated 2023-05-03.

Allele frequency attached by ClinVar (database versions not stated): TOPMed 0.00010; 1000 Genomes Project 30x 0.00016.
gnomAD v4.1: 97 of 1,549,272 alleles (0.0063%); highest among the groups gnomAD compares: East Asian, 0.022%; no homozygotes.

Submissions (3):

ARUP Laboratories, Molecular Genetics and Genomics, ARUP Laboratories
Classification: Likely benign. Last evaluated: 2023-05-03. Review status: criteria provided, single submitter. Criteria: ARUP Molecular Germline Variant Investigation Process 2024. Collection method: clinical testing. Allele origin: germline.

CeGaT Center for Human Genetics Tuebingen
Classification: Likely benign. Last evaluated: 2022-05-01. Review status: criteria provided, single submitter. Criteria: CeGaT Center For Human Genetics Tuebingen Variant Classification Criteria Version 2. Collection method: clinical testing. Allele origin: germline. Affected: yes. Observed: 1 variant allele.
Comment: PIEZO1: BP4, BP7

Labcorp Genetics (formerly Invitae), Labcorp
Classification: Likely benign. Last evaluated: 2018-07-30. Review status: criteria provided, single submitter. Criteria: Invitae Variant Classification Sherloc (09022015). Collection method: clinical testing. Allele origin: germline.

NM_001142864.4(PIEZO1):c.2982C>T (p.Phe994=)

Genes: HSALR1 (HSP90AB1 associated lncRNA 1; plus strand), PIEZO1 (piezo type mechanosensitive ion channel component 1 (Er blood group); minus strand). Cytogenetic location: 16q24.3.
Variant type: single nucleotide variant.
Coding change: c.2982C>T on transcript NM_001142864.4 (MANE Select); coding-DNA position 2982, C replaced by T.
Protein change: p.Phe994=; no amino-acid change (phenylalanine 994 retained).
Molecular consequence: synonymous variant.
Genome position (GRCh38, 1-based): chr16:88,732,344, G>A on the plus strand (C>T on the coding strand, the complement: PIEZO1 is on the minus strand). VCF-style: chr16-88732344-G-A. GRCh37 (hg19) VCF-style: chr16-88798752-G-A.
Identifiers: ClinVar variation 754323 (VCV000754323.35), dbSNP rs374262841, ClinGen allele CA8232666.